The following is an entry in ClinVar:

ClinVar aggregate classification (germline): Likely benign. Review status: criteria provided, multiple submitters, no conflicts (2 of 4 stars). 2 submissions from 2 submitters: Likely benign (2). Last evaluated 2025-01-08.

Conditions:
Early-infantile DEE. Also called: Ohtahara syndrome; Early infantile epileptic encephalopathy with suppression bursts; Early infantile epileptic encephalopathy. Identifiers: Orphanet 1934, MedGen C0393706, MONDO:0800491.

Allele frequency attached by ClinVar (database versions not stated): gnomAD exomes below 0.00001 and 0.00001; TOPMed below 0.00001.
gnomAD v4.1: 9 of 1,603,974 alleles (0.00056%); highest among the groups gnomAD compares: East Asian, 0.0022%; no homozygotes.

Submissions (2):

Women's Health and Genetics/Laboratory Corporation of America, LabCorp
Classification: Likely benign. Last evaluated: 2025-01-08. Review status: criteria provided, single submitter. Criteria: LabCorp Variant Classification Summary - May 2015. Collection method: clinical testing. Allele origin: germline.
Comment: Variant summary: GNAO1 c.594-15C>A alters a nucleotide located at a position not widely known to affect splicing. Consensus agreement among computation tools predict no significant impact on normal splicing (TrAP). However, these predictions have yet to be confirmed by functional studies. The variant allele was found at a frequency of 4.3e-06 in 233722 control chromosomes. The available data on variant occurrences in the general population are insufficient to allow any conclusion about variant significance. To our knowledge, no occurrence of c.594-15C>A in individuals affected with GNAO1-Related Disorders and no experimental evidence demonstrating its impact on protein function have been reported. ClinVar contains an entry for this variant (Variation ID: 1573427). Based on the evidence outlined above, the variant was classified as likely benign.

Labcorp Genetics (formerly Invitae), Labcorp
Classification: Likely benign for Early-infantile DEE. Last evaluated: 2022-08-06. Review status: criteria provided, single submitter. Criteria: Invitae Variant Classification Sherloc (09022015). Collection method: clinical testing. Allele origin: germline.

NM_020988.3(GNAO1):c.594-15C>A

Gene: GNAO1 (G protein subunit alpha o1; plus strand). Cytogenetic location: 16q13.
Variant type: single nucleotide variant.
Coding change: c.594-15C>A on transcript NM_020988.3 (MANE Select); 15 bases into the intron before coding-DNA position 594, C replaced by A.
Molecular consequence: intron variant.
Genome position (GRCh38, 1-based): chr16:56,336,716, C>A. VCF-style: chr16-56336716-C-A. GRCh37 (hg19) VCF-style: chr16-56370628-C-A.
Other names: c.594-15C>A (NM_020988.2, NM_138736.3).
Identifiers: ClinVar variation 1573427 (VCV001573427.12), dbSNP rs747946596, ClinGen allele CA281428087.